The following is an entry in ClinVar:

NM_005609.4(PYGM):c.862G>T (p.Glu288Ter)

Gene: PYGM (glycogen phosphorylase, muscle associated; minus strand). Cytogenetic location: 11q13.1.
Variant type: single nucleotide variant.
Coding change: c.862G>T on transcript NM_005609.4 (MANE Select); coding-DNA position 862, G replaced by T.
Protein change: p.Glu288Ter; replaces glutamic acid 288 with a stop codon.
Molecular consequence: nonsense.
Genome position (GRCh38, 1-based): chr11:64,754,830, C>A on the plus strand (G>T on the coding strand, the complement: PYGM is on the minus strand). VCF-style: chr11-64754830-C-A. GRCh37 (hg19) VCF-style: chr11-64522302-C-A.
Other names: c.598G>T, p.Glu200Ter (NM_001164716.1); short protein forms E200*, E288*.
Identifiers: ClinVar variation 4815442 (VCV004815442.1).

ClinVar aggregate classification (germline): Likely pathogenic (1 of 4 stars; one submission).

Conditions:
Glycogen storage disease, type V (GSD5). Also called: MCARDLE DISEASE; MUSCLE GLYCOGEN PHOSPHORYLASE DEFICIENCY; MYOPHOSPHORYLASE DEFICIENCY; PYGM DEFICIENCY; McArdle type glycogen storage disease. Identifiers: Orphanet 368, MedGen C0017924, MONDO:0009293, OMIM 232600.

gnomAD v4.1: 4 of 1,613,824 alleles (0.00025%); highest among the groups gnomAD compares: South Asian, 0.0033%; no homozygotes.

Submission:

Natera, Inc.
Classification: Likely pathogenic for Glycogen storage disease V. Last evaluated: 2025-10-08. Review status: criteria provided, single submitter. Criteria: Natera Variant Classification Schema (03/2026). Collection method: clinical testing. Allele origin: germline.
Comment: The c.862G>T variant in PYGM is a nonsense variant predicted to introduce a stop codon at amino acid 288. This variant is expected to result in nonsense mediated decay, truncation, or a dysfunctional protein product. This variant is rare in the general population with a frequency below the threshold expected for the associated phenotype(s). Given the available evidence, this variant is classified as Likely Pathogenic.